The following is an entry in ClinVar:

NM_002386.4(MC1R):c.539T>A (p.Ile180Asn)

Gene: MC1R (melanocortin 1 receptor; plus strand). Cytogenetic location: 16q24.3.
Variant type: single nucleotide variant.
Coding change: c.539T>A on transcript NM_002386.4 (MANE Select); coding-DNA position 539, T replaced by A.
Protein change: p.Ile180Asn; replaces isoleucine 180 with asparagine.
Molecular consequence: missense variant.
Genome position (GRCh38, 1-based): chr16:89,919,797, T>A. VCF-style: chr16-89919797-T-A. GRCh37 (hg19) VCF-style: chr16-89986205-T-A.
Other names: short protein forms I180N.
Identifiers: ClinVar variation 4824155 (VCV004824155.1).

ClinVar aggregate classification (germline): Uncertain significance (1 of 4 stars; one submission).

Submission:

Ambry Genetics
Classification: Uncertain significance. Last evaluated: 2026-02-19. Review status: criteria provided, single submitter. Criteria: Ambry Variant Classification Scheme 2023. Collection method: clinical testing. Allele origin: germline.
Comment: The p.I180N variant (also known as c.539T>A), located in coding exon 1 of the MC1R gene, results from a T to A substitution at nucleotide position 539. The isoleucine at codon 180 is replaced by asparagine, an amino acid with dissimilar properties. This amino acid position is conserved. In addition, the in silico prediction for this alteration is inconclusive. Based on the available evidence, the clinical significance of this variant remains unclear.